The following is an entry in ClinVar:

ClinVar aggregate classification (germline): Uncertain significance (1 of 4 stars; one submission).

Conditions:
Kabuki syndrome 2 (KABUK2). Also called: KDM6A-Related Kabuki Syndrome. Identifiers: Orphanet 2322, MedGen C3275495, MONDO:0010465, OMIM 300867.

Submission:

Labcorp Genetics (formerly Invitae), Labcorp
Classification: Uncertain significance for Kabuki syndrome 2. Last evaluated: 2024-03-19. Review status: criteria provided, single submitter. Criteria: Invitae Variant Classification Sherloc (09022015). Collection method: clinical testing. Allele origin: germline.
Comment: This sequence change replaces tyrosine, which is neutral and polar, with cysteine, which is neutral and slightly polar, at codon 362 of the KDM6A protein (p.Tyr362Cys). This variant is not present in population databases (gnomAD no frequency). This variant has not been reported in the literature in individuals affected with KDM6A-related conditions. Advanced modeling of protein sequence and biophysical properties (such as structural, functional, and spatial information, amino acid conservation, physicochemical variation, residue mobility, and thermodynamic stability) performed at Invitae indicates that this missense variant is expected to disrupt KDM6A protein function with a positive predictive value of 80%. In summary, the available evidence is currently insufficient to determine the role of this variant in disease. Therefore, it has been classified as a Variant of Uncertain Significance.

NM_001291415.2(KDM6A):c.1085A>G (p.Tyr362Cys)

Gene: KDM6A (lysine demethylase 6A; plus strand). Cytogenetic location: Xp11.3.
Variant type: single nucleotide variant.
Coding change: c.1085A>G on transcript NM_001291415.2 (MANE Select); coding-DNA position 1085, A replaced by G.
Protein change: p.Tyr362Cys; replaces tyrosine 362 with cysteine.
Molecular consequence: missense variant. On other transcripts: non-coding transcript variant (1).
Genome position (GRCh38, 1-based): chrX:45,059,357, A>G. VCF-style: chrX-45059357-A-G. GRCh37 (hg19) VCF-style: chrX-44918602-A-G.
Other names: c.1085A>G, p.Tyr362Cys (NM_001291416.2, NM_001291417.2, NM_001291418.2 and 9 more transcripts); c.332A>G, p.Tyr111Cys (NM_001291421.2); short protein forms Y362C, Y111C.
Identifiers: ClinVar variation 3646722 (VCV003646722.2).